The following is an entry in ClinVar:

NM_001814.6(CTSC):c.358G>A (p.Glu120Lys)

Gene: CTSC (cathepsin C; minus strand). Cytogenetic location: 11q14.2.
Variant type: single nucleotide variant.
Coding change: c.358G>A on transcript NM_001814.6 (MANE Select); coding-DNA position 358, G replaced by A.
Protein change: p.Glu120Lys; replaces glutamic acid 120 with lysine.
Molecular consequence: missense variant.
Genome position (GRCh38, 1-based): chr11:88,312,515, C>T on the plus strand (G>A on the coding strand, the complement: CTSC is on the minus strand). VCF-style: chr11-88312515-C-T. GRCh37 (hg19) VCF-style: chr11-88045683-C-T.
Other names: short protein forms E120K.
Identifiers: ClinVar variation 856793 (VCV000856793.7), dbSNP rs757277086, ClinGen allele CA6219973.

ClinVar aggregate classification (germline): Uncertain significance (1 of 4 stars; one submission).

Conditions:
Periodontitis, aggressive. Identifiers: MedGen C0031106, MONDO:0980757.
Haim-Munk syndrome (HMS). Also called: COCHIN JEWISH DISORDER; KERATOSIS PALMOPLANTARIS WITH PERIODONTOPATHIA AND ONYCHOGRYPOSIS. Identifiers: Orphanet 2342, MedGen C1855627, MONDO:0009491, OMIM 245010.
Papillon-Lefèvre syndrome (PALS). Also called: Papillon-Lefevre Disease; KERATOSIS PALMOPLANTARIS WITH PERIODONTOPATHIA. Identifiers: Orphanet 678, MedGen C0030360, MONDO:0009490, OMIM 245000.

Allele frequency attached by ClinVar (database versions not stated): ExAC 0.00001; gnomAD exomes below 0.00001.
gnomAD v4.1: 4 of 1,614,122 alleles (0.00025%); highest among the groups gnomAD compares: South Asian, 0.0033%; no homozygotes.

Submission:

Labcorp Genetics (formerly Invitae), Labcorp
Classification: Uncertain significance for Haim-Munk syndrome; Periodontitis, aggressive; Papillon-Lefèvre syndrome. Last evaluated: 2022-08-23. Review status: criteria provided, single submitter. Criteria: Invitae Variant Classification Sherloc (09022015). Collection method: clinical testing. Allele origin: germline.
Comment: This sequence change replaces glutamic acid, which is acidic and polar, with lysine, which is basic and polar, at codon 120 of the CTSC protein (p.Glu120Lys). This variant is present in population databases (rs757277086, gnomAD 0.003%). This variant has not been reported in the literature in individuals affected with CTSC-related conditions. ClinVar contains an entry for this variant (Variation ID: 856793). Algorithms developed to predict the effect of missense changes on protein structure and function are either unavailable or do not agree on the potential impact of this missense change (SIFT: "Not Available"; PolyPhen-2: "Benign"; Align-GVGD: "Not Available"). In summary, the available evidence is currently insufficient to determine the role of this variant in disease. Therefore, it has been classified as a Variant of Uncertain Significance.